The following is an entry in ClinVar:

ClinVar aggregate classification (germline): Pathogenic (1 of 4 stars; one submission).

Conditions:
Neurodevelopmental abnormality. Identifiers: MedGen C4022737, HP:0012759.

Submission:

Clinical Genetics Laboratory, Skane University Hospital Lund
Classification: Pathogenic for Neurodevelopmental abnormality. Last evaluated: 2024-08-22. Review status: criteria provided, single submitter. Criteria: ACMG Guidelines, 2015. Collection method: clinical testing. Allele origin: de novo. Affected: yes.
Comment: PS2, PS4_Moderate, PM1, PM2, PP3

NM_001690.4(ATP6V1A):c.1234C>T (p.Pro412Ser)

Gene: ATP6V1A (ATPase H+ transporting V1 subunit A; plus strand). Cytogenetic location: 3q13.31.
Variant type: single nucleotide variant.
Coding change: c.1234C>T on transcript NM_001690.4 (MANE Select); coding-DNA position 1234, C replaced by T.
Protein change: p.Pro412Ser; replaces proline 412 with serine.
Molecular consequence: missense variant.
Genome position (GRCh38, 1-based): chr3:113,795,883, C>T. VCF-style: chr3-113795883-C-T. GRCh37 (hg19) VCF-style: chr3-113514730-C-T.
Other names: short protein forms P412S.
Identifiers: ClinVar variation 3767996 (VCV003767996.1).